The following is an entry in ClinVar:

ClinVar aggregate classification (germline): Uncertain significance (1 of 4 stars; one submission).

Conditions:
Charcot-Marie-Tooth disease axonal type 2O. Also called: CHARCOT-MARIE-TOOTH NEUROPATHY, AXONAL, TYPE 2O; CHARCOT-MARIE-TOOTH DISEASE, AXONAL, AUTOSOMAL DOMINANT, TYPE 2O; Charcot-Marie-Tooth Neuropathy Type 2O; Charcot-Marie-Tooth disease, axonal, type 20. Identifiers: Orphanet 284232, MedGen C3280220, MONDO:0013644, OMIM 614228.

Submission:

Labcorp Genetics (formerly Invitae), Labcorp
Classification: Uncertain significance for Charcot-Marie-Tooth disease axonal type 2O. Last evaluated: 2019-10-12. Review status: criteria provided, single submitter. Criteria: Invitae Variant Classification Sherloc (09022015). Collection method: clinical testing. Allele origin: germline.
Comment: This sequence change replaces glutamine with arginine at codon 3538 of the DYNC1H1 protein (p.Gln3538Arg). The glutamine residue is highly conserved and there is a small physicochemical difference between glutamine and arginine. In summary, the available evidence is currently insufficient to determine the role of this variant in disease. Therefore, it has been classified as a Variant of Uncertain Significance. Algorithms developed to predict the effect of missense changes on protein structure and function (SIFT, PolyPhen-2, Align-GVGD) all suggest that this variant is likely to be tolerated, but these predictions have not been confirmed by published functional studies and their clinical significance is uncertain. This variant has not been reported in the literature in individuals with DYNC1H1-related conditions. This variant is not present in population databases (ExAC no frequency).

NM_001376.5(DYNC1H1):c.10613A>G (p.Gln3538Arg)

Gene: DYNC1H1 (dynein cytoplasmic 1 heavy chain 1; plus strand). Cytogenetic location: 14q32.31.
Variant type: single nucleotide variant.
Coding change: c.10613A>G on transcript NM_001376.5 (MANE Select); coding-DNA position 10613, A replaced by G.
Protein change: p.Gln3538Arg; replaces glutamine 3538 with arginine.
Molecular consequence: missense variant.
Genome position (GRCh38, 1-based): chr14:102,034,175, A>G. VCF-style: chr14-102034175-A-G. GRCh37 (hg19) VCF-style: chr14-102500512-A-G.
Other names: short protein forms Q3538R.
Identifiers: ClinVar variation 970162 (VCV000970162.9), dbSNP rs2048543572, ClinGen allele CA391027692.